The following is an entry in ClinVar:

ClinVar aggregate classification (germline): Likely benign (1 of 4 stars; one submission).

Allele frequency attached by ClinVar (database versions not stated): 1000 Genomes Project 30x 0.00187.

Submission:

CeGaT Center for Human Genetics Tuebingen
Classification: Likely benign. Last evaluated: 2023-10-01. Review status: criteria provided, single submitter. Criteria: CeGaT Center For Human Genetics Tuebingen Variant Classification Criteria Version 2. Collection method: clinical testing. Allele origin: germline. Affected: yes. Observed: 1 variant allele.
Comment: ZNF429: BP4, BP7

NM_001001415.4(ZNF429):c.1983T>C (p.Gly661=)

Gene: ZNF429 (zinc finger protein 429; plus strand). Cytogenetic location: 19p12.
Variant type: single nucleotide variant.
Coding change: c.1983T>C on transcript NM_001001415.4 (MANE Select); coding-DNA position 1983, T replaced by C.
Protein change: p.Gly661=; no amino-acid change (glycine 661 retained).
Molecular consequence: synonymous variant.
Genome position (GRCh38, 1-based): chr19:21,538,036, T>C. VCF-style: chr19-21538036-T-C. GRCh37 (hg19) VCF-style: chr19-21720838-T-C.
Other names: c.1977T>C, p.Gly659= (NM_001346912.2); c.1887T>C, p.Gly629= (NM_001346913.2, NM_001346914.2, NM_001346915.2); c.1791T>C, p.Gly597= (NM_001346916.2).
Identifiers: ClinVar variation 2649624 (VCV002649624.24), dbSNP rs1249554017, ClinGen allele CA506611098.